The following is an entry in ClinVar:

ClinVar aggregate classification (germline): Conflicting classifications of pathogenicity. Review status: criteria provided, conflicting classifications (1 of 4 stars). 4 submissions from 4 submitters: Uncertain significance (3); Likely benign (1). Last evaluated 2025-12-31.

Conditions:
Hereditary cancer-predisposing syndrome. Also called: Hereditary Cancer Syndrome; Neoplastic Syndromes, Hereditary; Tumor predisposition; Hereditary neoplastic syndrome. Identifiers: Orphanet 140162, MedGen C0027672, MeSH D009386, MONDO:0015356.
Malignant tumor of urinary bladder. Also called: Urinary Bladder Neoplasms; Bladder cancer; Urinary bladder cancer. Identifiers: MedGen C0005684, MONDO:0001187, OMIM 109800.
Retinoblastoma (RB1). Also called: RETINOBLASTOMA, SOMATIC. Identifiers: Orphanet 790, MedGen C0035335, MeSH D012175, MONDO:0008380, OMIM 180200, HP:0009919. Disease mechanism: loss of function. Inheritance: Both sporadic and heritable forms are tested..

Allele frequency attached by ClinVar (database versions not stated): TOPMed 0.00001; gnomAD exomes 0.00001.
gnomAD v4.1: 9 of 1,612,050 alleles (0.00056%); highest among the groups gnomAD compares: Non-Finnish European, 0.00076%; no homozygotes.

Submissions (4):

Ambry Genetics
Classification: Uncertain significance for Hereditary cancer-predisposing syndrome. Last evaluated: 2025-12-31. Review status: criteria provided, single submitter. Criteria: Ambry Variant Classification Scheme 2023. Collection method: clinical testing. Allele origin: germline.
Comment: The c.2106+3A>G intronic variant results from an A to G substitution 3 nucleotides after coding exon 20 in the RB1 gene. This nucleotide position is highly conserved in available vertebrate species. In silico splice site analysis for this alteration is inconclusive; however, direct evidence is insufficient at this time (Ambry internal data). Based on the available evidence, the clinical significance of this variant remains unclear.

Labcorp Genetics (formerly Invitae), Labcorp
Classification: Likely benign for Retinoblastoma. Last evaluated: 2024-10-26. Review status: criteria provided, single submitter. Criteria: Invitae Variant Classification Sherloc (09022015). Collection method: clinical testing. Allele origin: germline.

Baylor Genetics
Classification: Uncertain significance for Malignant tumor of urinary bladder. Last evaluated: 2023-02-28. Review status: criteria provided, single submitter. Criteria: ACMG Guidelines, 2015. Collection method: clinical testing. Allele origin: unknown.

Department of Pathology and Laboratory Medicine, Sinai Health System
Classification: Uncertain significance for retinoblastoma. Last evaluated: 2021-07-30. Review status: criteria provided, single submitter. Criteria: ACMG Guidelines, 2015. Collection method: research. Allele origin: germline.

NM_000321.3(RB1):c.2106+3A>G

Gene: RB1 (RB transcriptional corepressor 1; plus strand). Cytogenetic location: 13q14.2.
Variant type: single nucleotide variant.
Coding change: c.2106+3A>G on transcript NM_000321.3 (MANE Select); 3 bases into the intron after coding-DNA position 2106, A replaced by G.
Molecular consequence: intron variant.
Genome position (GRCh38, 1-based): chr13:48,459,836, A>G. VCF-style: chr13-48459836-A-G. GRCh37 (hg19) VCF-style: chr13-49033972-A-G.
Other names: c.2106+3A>G (NM_000321.2).
Identifiers: ClinVar variation 1013983 (VCV001013983.11), dbSNP rs1353683992, ClinGen allele CA698682465.